The following is an entry in ClinVar:

NM_000361.3(THBD):c.1367A>G (p.His456Arg)

Gene: THBD (thrombomodulin; minus strand). Cytogenetic location: 20p11.21.
Variant type: single nucleotide variant.
Coding change: c.1367A>G on transcript NM_000361.3 (MANE Select); coding-DNA position 1367, A replaced by G.
Protein change: p.His456Arg; replaces histidine 456 with arginine.
Molecular consequence: missense variant.
Genome position (GRCh38, 1-based): chr20:23,048,138, T>C on the plus strand (A>G on the coding strand, the complement: THBD is on the minus strand). VCF-style: chr20-23048138-T-C. GRCh37 (hg19) VCF-style: chr20-23028775-T-C.
Other names: short protein forms H456R.
Identifiers: ClinVar variation 1388479 (VCV001388479.8), dbSNP rs2122669527, ClinGen allele CA408405667.

ClinVar aggregate classification (germline): Uncertain significance (1 of 4 stars; one submission).

Allele frequency attached by ClinVar (database versions not stated): gnomAD exomes below 0.00001.
gnomAD v4.1: 1 of 1,613,668 alleles (0.000062%); highest among the groups gnomAD compares: Non-Finnish European, 0.000085%; no homozygotes.

Submission:

Labcorp Genetics (formerly Invitae), Labcorp
Classification: Uncertain significance. Last evaluated: 2021-04-17. Review status: criteria provided, single submitter. Criteria: Invitae Variant Classification Sherloc (09022015). Collection method: clinical testing. Allele origin: germline.
Comment: In summary, the available evidence is currently insufficient to determine the role of this variant in disease. Therefore, it has been classified as a Variant of Uncertain Significance. Algorithms developed to predict the effect of missense changes on protein structure and function output the following: SIFT: "Tolerated"; PolyPhen-2: "Benign"; Align-GVGD: "Class C0". The arginine amino acid residue is found in multiple mammalian species, suggesting that this missense change does not adversely affect protein function. These predictions have not been confirmed by published functional studies and their clinical significance is uncertain. This variant has not been reported in the literature in individuals with THBD-related conditions. This variant is not present in population databases (ExAC no frequency). This sequence change replaces histidine with arginine at codon 456 of the THBD protein (p.His456Arg). The histidine residue is weakly conserved and there is a small physicochemical difference between histidine and arginine.